The following is an entry in ClinVar:

NM_000718.4(CACNA1B):c.4166G>A (p.Arg1389His)

Gene: CACNA1B (calcium voltage-gated channel subunit alpha1 B; plus strand). Cytogenetic location: 9q34.3.
Variant type: single nucleotide variant.
Coding change: c.4166G>A on transcript NM_000718.4 (MANE Select); coding-DNA position 4166, G replaced by A.
Protein change: p.Arg1389His; replaces arginine 1389 with histidine.
Molecular consequence: missense variant.
Genome position (GRCh38, 1-based): chr9:138,058,108, G>A. VCF-style: chr9-138058108-G-A. GRCh37 (hg19) VCF-style: chr9-140952560-G-A.
Other names: CACNA1B, ARG1389HIS (rs184841813); c.4166G>A, p.Arg1389His (NM_001243812.2); short protein forms R1389H.
Identifiers: ClinVar variation 189196 (VCV000189196.33), dbSNP rs184841813, ClinGen allele CA214562.
Genomic context (GRCh38, chr9:138,058,108, plus strand): 5'-GGGTGCTGAAACACTCCGTGGATGCCACCTATGAGGAGCAGGGTCCAAGCCCTGGGTACC[G>A]CATGGAGCTGTCCATCTTCTACGTGGTCTACTTTGTGGTCTTTCCCTTCTTCTTCGTCAA-3'
Protein context (NP_000709.1, residues 1379-1399): YEEQGPSPGY[Arg1389His]MELSIFYVVY

ClinVar aggregate classification (germline): Conflicting classifications of pathogenicity. Review status: criteria provided, conflicting classifications (1 of 4 stars). 4 submissions from 4 submitters: Uncertain significance (2); Likely benign (1). 1 of the submissions does not count toward it. Last evaluated 2025-08-01.

Conditions:
Dystonia 23 (DYT23). Identifiers: Orphanet 420492, MedGen C3538999, MONDO:0013928, OMIM 614860.

Allele frequency attached by ClinVar (database versions not stated): ExAC 0.00038; gnomAD 0.00043 and 0.00045; gnomAD exomes 0.00043 and 0.00053; TOPMed 0.00051; 1000 Genomes Project 30x 0.00078; 1000 Genomes Project 0.00080; ESP Exome Variant Server 0.00104.
gnomAD v4.1: 851 of 1,613,754 alleles (0.053%); highest among the groups gnomAD compares: Admixed American, 0.07%; 1 homozygote.

Submissions (4):

CeGaT Center for Human Genetics Tuebingen
Classification: Likely benign. Last evaluated: 2025-08-01. Review status: criteria provided, single submitter. Criteria: CeGaT Center For Human Genetics Tuebingen Variant Classification Criteria Version 2. Collection method: clinical testing. Allele origin: germline. Affected: yes. Observed: 3 variant alleles.
Comment: CACNA1B: PP3, BS2

Blueprint Genetics
Classification: Uncertain significance. Last evaluated: 2024-11-25. Review status: criteria provided, single submitter. Criteria: ACMG Guidelines, 2015. Collection method: clinical testing. Allele origin: germline.

Labcorp Genetics (formerly Invitae), Labcorp
Classification: Uncertain significance. Last evaluated: 2022-10-18. Review status: criteria provided, single submitter. Criteria: Invitae Variant Classification Sherloc (09022015). Collection method: clinical testing. Allele origin: germline.
Comment: This sequence change replaces arginine, which is basic and polar, with histidine, which is basic and polar, at codon 1389 of the CACNA1B protein (p.Arg1389His). This variant is present in population databases (rs184841813, gnomAD 0.07%). This variant has not been reported in the literature in individuals affected with CACNA1B-related conditions. ClinVar contains an entry for this variant (Variation ID: 189196). Algorithms developed to predict the effect of missense changes on protein structure and function (SIFT, PolyPhen-2, Align-GVGD) all suggest that this variant is likely to be disruptive. In summary, the available evidence is currently insufficient to determine the role of this variant in disease. Therefore, it has been classified as a Variant of Uncertain Significance.

OMIM
Classification: Uncertain significance for RECLASSIFIED - VARIANT OF UNKNOWN SIGNIFICANCE. Last evaluated: 2015-02-15. Review status: no assertion criteria provided. Collection method: literature only. Allele origin: germline. Not counted in ClinVar's aggregate classification.

Literature cited by the submitters: PubMed 26157024 (cited by OMIM); PubMed 25296916 (cited by OMIM); PubMed 21370267 (cited by OMIM).